The following is an entry in ClinVar:

ClinVar aggregate classification (germline): Pathogenic (1 of 4 stars; one submission).

Conditions:
Developmental and epileptic encephalopathy 94 (DEE94). Also called: Epileptic encephalopathy, childhood-onset; CHD2-Related Neurodevelopmental Disorders. Identifiers: Orphanet 1942, Orphanet 2382, MedGen C3809278, MONDO:0014150, OMIM 615369.

Submission:

Labcorp Genetics (formerly Invitae), Labcorp
Classification: Pathogenic for Developmental and epileptic encephalopathy 94. Last evaluated: 2022-07-30. Review status: criteria provided, single submitter. Criteria: Invitae Variant Classification Sherloc (09022015). Collection method: clinical testing. Allele origin: germline.
Comment: This variant has not been reported in the literature in individuals affected with CHD2-related conditions. For these reasons, this variant has been classified as Pathogenic. This variant is not present in population databases (gnomAD no frequency). This sequence change creates a premature translational stop signal (p.Trp1043*) in the CHD2 gene. It is expected to result in an absent or disrupted protein product. Loss-of-function variants in CHD2 are known to be pathogenic (PMID: 23708187, 24207121).

Literature cited by the submitters: PubMed 23708187; PubMed 24207121.

NM_001271.4(CHD2):c.3128G>A (p.Trp1043Ter)

Gene: CHD2 (chromodomain helicase DNA binding protein 2; plus strand). Cytogenetic location: 15q26.1.
Variant type: single nucleotide variant.
Coding change: c.3128G>A on transcript NM_001271.4 (MANE Select); coding-DNA position 3128, G replaced by A.
Protein change: p.Trp1043Ter; replaces tryptophan 1043 with a stop codon.
Molecular consequence: nonsense.
Genome position (GRCh38, 1-based): chr15:92,984,391, G>A. VCF-style: chr15-92984391-G-A. GRCh37 (hg19) VCF-style: chr15-93527621-G-A.
Other names: short protein forms W1043*.
Identifiers: ClinVar variation 2020762 (VCV002020762.4), dbSNP rs2505558924, ClinGen allele CA393895196.
Genomic context (GRCh38, chr15:92,984,391, plus strand): 5'-TTGCCAACTTTGCAACAATGGAAGATGAAGAAGAGCTAGAAGAGCGTCCTCACAAGGACT[G>A]GGATGAGATCATTCCAGAGGAACAAAGGAAAAAAGTAGAGGAGGAAGAGCGGCAGAAGGA-3'